The following is an entry in ClinVar:

NM_014484.5(MOCS3):c.573C>A (p.Asp191Glu)

Gene: MOCS3 (molybdenum cofactor synthesis 3; plus strand). Cytogenetic location: 20q13.13.
Variant type: single nucleotide variant.
Coding change: c.573C>A on transcript NM_014484.5 (MANE Select); coding-DNA position 573, C replaced by A.
Protein change: p.Asp191Glu; replaces aspartic acid 191 with glutamic acid.
Molecular consequence: missense variant.
Genome position (GRCh38, 1-based): chr20:50,959,415, C>A. VCF-style: chr20-50959415-C-A. GRCh37 (hg19) VCF-style: chr20-49575952-C-A.
Other names: short protein forms D191E.
Identifiers: ClinVar variation 1440944 (VCV001440944.6), dbSNP rs1277063205, ClinGen allele CA408983308.
Genomic context (GRCh38, chr20:50,959,415, plus strand): 5'-CCGATATGATGTGGTGGCTGACTGCTCGGACAACGTGCCCACTCGCTACCTGGTTAATGA[C>A]GCATGTGTGCTGGCGGGTCGGCCCCTCGTGTCTGCCAGTGCCTTGCGCTTCGAGGGCCAA-3'
Protein context (NP_055299.1, residues 181-201): DNVPTRYLVN[Asp191Glu]ACVLAGRPLV

ClinVar aggregate classification (germline): Uncertain significance (1 of 4 stars; one submission).

Allele frequency attached by ClinVar (database versions not stated): gnomAD 0.00003 and 0.00004.
gnomAD v4.1: 10 of 1,613,838 alleles (0.00062%); highest among the groups gnomAD compares: Admixed American, 0.015%; no homozygotes.

Submission:

Labcorp Genetics (formerly Invitae), Labcorp
Classification: Uncertain significance. Last evaluated: 2022-08-31. Review status: criteria provided, single submitter. Criteria: Invitae Variant Classification Sherloc (09022015). Collection method: clinical testing. Allele origin: germline.
Comment: In summary, the available evidence is currently insufficient to determine the role of this variant in disease. Therefore, it has been classified as a Variant of Uncertain Significance. Algorithms developed to predict the effect of missense changes on protein structure and function (SIFT, PolyPhen-2, Align-GVGD) all suggest that this variant is likely to be disruptive. ClinVar contains an entry for this variant (Variation ID: 1440944). This variant has not been reported in the literature in individuals affected with MOCS3-related conditions. This variant is present in population databases (no rsID available, gnomAD 0.006%). This sequence change replaces aspartic acid, which is acidic and polar, with glutamic acid, which is acidic and polar, at codon 191 of the MOCS3 protein (p.Asp191Glu).